The following is an entry in ClinVar:

ClinVar aggregate classification (germline): Uncertain significance (1 of 4 stars; one submission).

Conditions:
Pitt-Hopkins-like syndrome 2 (PTHSL2). Identifiers: Orphanet 221150, Orphanet 600663, MedGen C3280479, MONDO:0013690, OMIM 614325.

Submission:

Labcorp Genetics (formerly Invitae), Labcorp
Classification: Uncertain significance for Pitt-Hopkins-like syndrome 2. Last evaluated: 2017-09-05. Review status: criteria provided, single submitter. Criteria: Invitae Variant Classification Sherloc (09022015). Collection method: clinical testing. Allele origin: germline.
Comment: This variant is a gross deletion of the genomic region encompassing exons 21-24 of the NRXN1 gene. The 5' boundary is likely confined to intron 20. The 3' end of this event is unknown as it extends through the termination codon beyond the assayed region for this gene and may encompass additional genes. While this deletion is not anticipated to result in nonsense mediated decay, it is expected to create a truncated protein product or disrupt mRNA translation. Experimental studies and prediction algorithms are not available for this variant, and the functional significance of the deleted amino acids is currently unknown. In summary, the available evidence is currently insufficient to determine the role of this variant in disease. Therefore, it has been classified as a Variant of Uncertain Significance. This variant has not been reported in the literature in individuals with NRXN1-related disease.

NC_000002.12:g.(?_49921924)_(50055064_?)del

Genes: NRXN1 (neurexin 1; minus strand), LOC114827832 (VISTA enhancer hs2343; plus strand). Cytogenetic location: 2p16.3.
Variant type: Deletion.
Identifiers: ClinVar variation 539894 (VCV000539894.4).